The following is an entry in ClinVar:

NM_000089.4(COL1A2):c.1197+18C>A

Gene: COL1A2 (collagen type I alpha 2 chain; plus strand). Cytogenetic location: 7q21.3.
Variant type: single nucleotide variant.
Coding change: c.1197+18C>A on transcript NM_000089.4 (MANE Select); 18 bases into the intron after coding-DNA position 1197, C replaced by A.
Molecular consequence: intron variant.
Genome position (GRCh38, 1-based): chr7:94,410,545, C>A. VCF-style: chr7-94410545-C-A. GRCh37 (hg19) VCF-style: chr7-94039857-C-A.
Identifiers: ClinVar variation 513785 (VCV000513785.1), dbSNP rs1200721271, ClinGen allele CA576321895.

ClinVar aggregate classification (germline): Likely benign (1 of 4 stars; one submission).

Allele frequency attached by ClinVar (database versions not stated): TOPMed 0.00002 and 0.00001; gnomAD 0.00001; gnomAD exomes 0.00001.
gnomAD v4.1: 18 of 1,531,496 alleles (0.0012%); highest among the groups gnomAD compares: East Asian, 0.042%; no homozygotes.

Submission:

GeneDx
Classification: Likely benign. Last evaluated: 2017-12-05. Review status: criteria provided, single submitter. Criteria: GeneDx Variant Classification (06012015). Collection method: clinical testing. Allele origin: germline. Affected: yes.
Comment: This variant is considered likely benign or benign based on one or more of the following criteria: it is a conservative change, it occurs at a poorly conserved position in the protein, it is predicted to be benign by multiple in silico algorithms, and/or has population frequency not consistent with disease.